The following is an entry in ClinVar:

NM_015450.3(POT1):c.1113del (p.Arg372fs)

Gene: POT1 (protection of telomeres 1; minus strand). Cytogenetic location: 7q31.33.
Variant type: Deletion.
Coding change: c.1113del on transcript NM_015450.3 (MANE Select); coding-DNA position 1113, one base deleted (C; older notation c.1113delC).
Protein change: p.Arg372fs; shifts the reading frame from arginine 372.
Molecular consequence: frameshift variant. On other transcripts: non-coding transcript variant (3).
Genome position (GRCh38, 1-based): chr7:124,842,857, G deleted on the plus strand (C on the coding strand, the reverse complement: POT1 is on the minus strand); the first of 3 consecutive G bases (chr7:124,842,857-124,842,859); deleting any one gives the same sequence. VCF-style (leftmost placement, unchanged base first): chr7-124842856-TG-T. GRCh37 (hg19) VCF-style: chr7-124482910-TG-T.
Other names: c.720del, p.Arg241fs (NM_001042594.2); short protein forms R241fs, R372fs.
Identifiers: ClinVar variation 2585763 (VCV002585763.2), dbSNP rs2485401916, ClinGen allele CA2582341946.

ClinVar aggregate classification (germline): Pathogenic (1 of 4 stars; one submission).

Conditions:
Hereditary cancer-predisposing syndrome. Also called: Hereditary neoplastic syndrome; Tumor predisposition; Hereditary Cancer Syndrome; Neoplastic Syndromes, Hereditary. Identifiers: Orphanet 140162, MedGen C0027672, MeSH D009386, MONDO:0015356.

Submission:

Ambry Genetics
Classification: Pathogenic for Hereditary cancer-predisposing syndrome. Last evaluated: 2023-08-09. Review status: criteria provided, single submitter. Criteria: Ambry Variant Classification Scheme 2023. Collection method: clinical testing. Allele origin: germline.
Comment: The c.1113delC pathogenic mutation, located in coding exon 9 of the POT1 gene, results from a deletion of one nucleotide at nucleotide position 1113, causing a translational frameshift with a predicted alternate stop codon (p.R372Efs*28). This variant is considered to be rare based on population cohorts in the Genome Aggregation Database (gnomAD). This alteration is expected to result in loss of function by premature protein truncation or nonsense-mediated mRNA decay. As such, this alteration is interpreted as a disease-causing mutation.